The following is an entry in ClinVar:

ClinVar aggregate classification (germline): Likely pathogenic (1 of 4 stars; one submission).

Conditions:
DICER1-related tumor predisposition. Also called: DICER1-related pleuropulmonary blastoma cancer predisposition syndrome; DICER1 syndrome. Identifiers: Orphanet 284343, MedGen C3839822, MONDO:0100216.

Submission:

Labcorp Genetics (formerly Invitae), Labcorp
Classification: Likely pathogenic for DICER1-related tumor predisposition. Last evaluated: 2023-12-06. Review status: criteria provided, single submitter. Criteria: Invitae Variant Classification Sherloc (09022015). Collection method: clinical testing. Allele origin: germline.
Comment: This sequence change affects a donor splice site in intron 2 of the DICER1 gene. It is expected to disrupt RNA splicing. Variants that disrupt the donor or acceptor splice site typically lead to a loss of protein function (PMID: 16199547), and loss-of-function variants in DICER1 are known to be pathogenic (PMID: 19556464, 21266384). This variant is not present in population databases (gnomAD no frequency). This variant has not been reported in the literature in individuals affected with DICER1-related conditions. Algorithms developed to predict the effect of sequence changes on RNA splicing suggest that this variant may disrupt the consensus splice site. In summary, the currently available evidence indicates that the variant is pathogenic, but additional data are needed to prove that conclusively. Therefore, this variant has been classified as Likely Pathogenic.

Literature cited by the submitters: PubMed 16199547; PubMed 19556464; PubMed 21266384.

NM_177438.3(DICER1):c.144+1G>C

Gene: DICER1 (dicer 1, ribonuclease III; minus strand). Cytogenetic location: 14q32.13.
Variant type: single nucleotide variant.
Coding change: c.144+1G>C on transcript NM_177438.3 (MANE Select); the canonical splice donor site of the intron after coding-DNA position 144, G replaced by C.
Molecular consequence: splice donor variant. On other transcripts: intron variant (1).
Genome position (GRCh38, 1-based): chr14:95,133,314, C>G on the plus strand (G>C on the coding strand, the complement: DICER1 is on the minus strand). VCF-style: chr14-95133314-C-G. GRCh37 (hg19) VCF-style: chr14-95599651-C-G.
Other names: c.144+1G>C (NM_001291628.2, NM_030621.4, NM_001395677.1 and 14 more transcripts); c.-131+1G>C (NM_001395690.1, NM_001395689.1, NM_001395686.1 and 3 more transcripts); c.-130-637G>C (NM_001395687.1); c.-315+1G>C (NM_001395691.1); c.-1425+1G>C (NM_001395697.1).
Identifiers: ClinVar variation 2826033 (VCV002826033.3), dbSNP rs2140295068, ClinGen allele CA390890308.